The following is an entry in ClinVar:

ClinVar aggregate classification (germline): Uncertain significance (1 of 4 stars; one submission).

Submission:

Labcorp Genetics (formerly Invitae), Labcorp
Classification: Uncertain significance. Last evaluated: 2024-04-20. Review status: criteria provided, single submitter. Criteria: Invitae Variant Classification Sherloc (09022015). Collection method: clinical testing. Allele origin: germline.
Comment: This sequence change replaces glutamic acid, which is acidic and polar, with glycine, which is neutral and non-polar, at codon 511 of the ACAN protein (p.Glu511Gly). This variant is not present in population databases (gnomAD no frequency). This variant has not been reported in the literature in individuals affected with ACAN-related conditions. Advanced modeling of protein sequence and biophysical properties (such as structural, functional, and spatial information, amino acid conservation, physicochemical variation, residue mobility, and thermodynamic stability) performed at Invitae indicates that this missense variant is not expected to disrupt ACAN protein function with a negative predictive value of 80%. In summary, the available evidence is currently insufficient to determine the role of this variant in disease. Therefore, it has been classified as a Variant of Uncertain Significance.

NM_001369268.1(ACAN):c.1532A>G (p.Glu511Gly)

Gene: ACAN (aggrecan; plus strand). Cytogenetic location: 15q26.1.
Variant type: single nucleotide variant.
Coding change: c.1532A>G on transcript NM_001369268.1 (MANE Select); coding-DNA position 1532, A replaced by G.
Protein change: p.Glu511Gly; replaces glutamic acid 511 with glycine.
Molecular consequence: missense variant.
Genome position (GRCh38, 1-based): chr15:88,847,345, A>G. VCF-style: chr15-88847345-A-G. GRCh37 (hg19) VCF-style: chr15-89390576-A-G.
Other names: c.1532A>G, p.Glu511Gly (NM_001411097.1, NM_013227.4, NM_001135.4 and 1 more transcripts); short protein forms E511G.
Identifiers: ClinVar variation 2968386 (VCV002968386.3), dbSNP rs2505271549, ClinGen allele CA393710700.